The following is an entry in ClinVar:

NM_182914.3(SYNE2):c.19276G>C (p.Gly6426Arg)

Gene: SYNE2 (spectrin repeat containing nuclear envelope protein 2; plus strand). Cytogenetic location: 14q23.2.
Variant type: single nucleotide variant.
Coding change: c.19276G>C on transcript NM_182914.3 (MANE Select); coding-DNA position 19276, G replaced by C.
Protein change: p.Gly6426Arg; replaces glycine 6426 with arginine.
Molecular consequence: missense variant.
Genome position (GRCh38, 1-based): chr14:64,214,413, G>C. VCF-style: chr14-64214413-G-C. GRCh37 (hg19) VCF-style: chr14-64681131-G-C.
Other names: c.19276G>C, p.Gly6426Arg (NM_015180.6); c.178G>C, p.Gly60Arg (NM_182913.4); short protein forms G60R, G6426R.
Identifiers: ClinVar variation 2644311 (VCV002644311.26), dbSNP rs2550166946, ClinGen allele CA389956999.

ClinVar aggregate classification (germline): Uncertain significance. Review status: criteria provided, multiple submitters, no conflicts (2 of 4 stars). 2 submissions from 2 submitters: Uncertain significance (2). Last evaluated 2024-10-31.

Conditions:
Emery-Dreifuss muscular dystrophy 5, autosomal dominant (EDMD5). Also called: EMERY-DREIFUSS MUSCULAR DYSTROPHY 5. Identifiers: Orphanet 261, MedGen C2751805, MONDO:0013072, OMIM 612999.

Submissions (2):

Labcorp Genetics (formerly Invitae), Labcorp
Classification: Uncertain significance for Emery-Dreifuss muscular dystrophy 5, autosomal dominant. Last evaluated: 2024-10-31. Review status: criteria provided, single submitter. Criteria: Invitae Variant Classification Sherloc (09022015). Collection method: clinical testing. Allele origin: germline.
Comment: This sequence change replaces glycine, which is neutral and non-polar, with arginine, which is basic and polar, at codon 6426 of the SYNE2 protein (p.Gly6426Arg). This variant is not present in population databases (gnomAD no frequency). This variant has not been reported in the literature in individuals affected with SYNE2-related conditions. ClinVar contains an entry for this variant (Variation ID: 2644311). An algorithm developed to predict the effect of missense changes on protein structure and function (PolyPhen-2) suggests that this variant is likely to be disruptive. In summary, the available evidence is currently insufficient to determine the role of this variant in disease. Therefore, it has been classified as a Variant of Uncertain Significance.

CeGaT Center for Human Genetics Tuebingen
Classification: Uncertain significance. Last evaluated: 2022-11-01. Review status: criteria provided, single submitter. Criteria: CeGaT Center For Human Genetics Tuebingen Variant Classification Criteria Version 2. Collection method: clinical testing. Allele origin: germline. Affected: yes. Observed: 1 variant allele.
Comment: SYNE2: PM2, PP3